The following is an entry in ClinVar:

NM_001903.5(CTNNA1):c.2434-20C>T

Gene: CTNNA1 (catenin alpha 1; plus strand). Cytogenetic location: 5q31.2.
Variant type: single nucleotide variant.
Coding change: c.2434-20C>T on transcript NM_001903.5 (MANE Select); 20 bases into the intron before coding-DNA position 2434, C replaced by T.
Molecular consequence: intron variant.
Genome position (GRCh38, 1-based): chr5:138,933,782, C>T. VCF-style: chr5-138933782-C-T. GRCh37 (hg19) VCF-style: chr5-138269471-C-T.
Other names: c.2434-20C>T (NM_001323982.2, NM_001323984.2, NM_001323983.1); c.2505-20C>T (NM_001290307.3); c.2434-47C>T (NM_001323985.2); c.2341-20C>T (NM_001323986.2); c.2065-20C>T (NM_001290310.3); c.2125-20C>T (NM_001290309.3); c.1324-20C>T (NM_001323996.1, NM_001323993.1, NM_001323998.1 and 12 more transcripts); c.1395-20C>T (NM_001324005.1, NM_001324003.1, NM_001324002.1 and 1 more transcripts); and 4 more.
Identifiers: ClinVar variation 3773342 (VCV003773342.1).

ClinVar aggregate classification (germline): Likely benign (1 of 4 stars; one submission).

Conditions:
Hereditary diffuse gastric adenocarcinoma (HDGC). Also called: DIFFUSE GASTRIC AND LOBULAR BREAST CANCER SYNDROME. Identifiers: Orphanet 26106, MedGen C1708349, MONDO:0007648, OMIM 137215.

gnomAD v4.1: 1 of 1,608,210 alleles (0.000062%); highest among the groups gnomAD compares: Non-Finnish European, 0.000085%; no homozygotes.

Submission:

Myriad Genetics, Inc.
Classification: Likely benign for Hereditary diffuse gastric adenocarcinoma. Last evaluated: 2024-10-15. Review status: criteria provided, single submitter. Criteria: Myriad Autosomal Dominant, Autosomal Recessive and X-Linked Classification Criteria (2023). Collection method: clinical testing. Allele origin: unknown.
Comment: This variant is considered likely benign. This variant is intronic and is not expected to impact mRNA splicing.